The following is an entry in ClinVar:

NM_006059.4(LAMC3):c.3418-7T>G

Gene: LAMC3 (laminin subunit gamma 3; plus strand). Cytogenetic location: 9q34.12.
Variant type: single nucleotide variant.
Coding change: c.3418-7T>G on transcript NM_006059.4 (MANE Select); 7 bases into the intron before coding-DNA position 3418, T replaced by G.
Molecular consequence: intron variant.
Genome position (GRCh38, 1-based): chr9:131,073,238, T>G. VCF-style: chr9-131073238-T-G. GRCh37 (hg19) VCF-style: chr9-133948625-T-G.
Identifiers: ClinVar variation 2094755 (VCV002094755.4), dbSNP rs955380126, ClinGen allele CA200669631.

ClinVar aggregate classification (germline): Uncertain significance (1 of 4 stars; one submission).

Allele frequency attached by ClinVar (database versions not stated): gnomAD 0.00001; gnomAD exomes 0.00001; TOPMed 0.00001.
gnomAD v4.1: 10 of 1,610,170 alleles (0.00062%); highest among the groups gnomAD compares: Admixed American, 0.0017%; no homozygotes.

Submission:

Labcorp Genetics (formerly Invitae), Labcorp
Classification: Uncertain significance. Last evaluated: 2022-02-08. Review status: criteria provided, single submitter. Criteria: Invitae Variant Classification Sherloc (09022015). Collection method: clinical testing. Allele origin: germline.
Comment: This sequence change falls in intron 19 of the LAMC3 gene. It does not directly change the encoded amino acid sequence of the LAMC3 protein. In summary, the available evidence is currently insufficient to determine the role of this variant in disease. Therefore, it has been classified as a Variant of Uncertain Significance. Algorithms developed to predict the effect of sequence changes on RNA splicing suggest that this variant may disrupt the consensus splice site. This variant has not been reported in the literature in individuals affected with LAMC3-related conditions. This variant is present in population databases (no rsID available, gnomAD 0.002%).